The following is an entry in ClinVar:

ClinVar aggregate classification (germline): Uncertain significance. Review status: criteria provided, multiple submitters, no conflicts (2 of 4 stars). 2 submissions from 2 submitters: Uncertain significance (2). Last evaluated 2025-03-04.

Conditions:
Bethlem myopathy 1A. Also called: MYOPATHY, BENIGN CONGENITAL, WITH CONTRACTURES; Bethlem Muscular Dystrophy; Bethlem myopathy 1. Identifiers: Orphanet 610, MedGen CN029274, MONDO:0024530, OMIM 158810.

Allele frequency attached by ClinVar (database versions not stated): gnomAD 0.00002; TOPMed 0.00004.
gnomAD v4.1: 22 of 1,613,950 alleles (0.0014%); highest among the groups gnomAD compares: Admixed American, 0.005%; no homozygotes.

Submissions (2):

Labcorp Genetics (formerly Invitae), Labcorp
Classification: Uncertain significance for Bethlem myopathy 1A. Last evaluated: 2025-03-04. Review status: criteria provided, single submitter. Criteria: Invitae Variant Classification Sherloc (09022015). Collection method: clinical testing. Allele origin: germline.
Comment: This sequence change replaces aspartic acid, which is acidic and polar, with asparagine, which is neutral and polar, at codon 882 of the COL6A3 protein (p.Asp882Asn). This variant is present in population databases (no rsID available, gnomAD 0.002%). This variant has not been reported in the literature in individuals affected with COL6A3-related conditions. ClinVar contains an entry for this variant (Variation ID: 2055464). Invitae Evidence Modeling of protein sequence and biophysical properties (such as structural, functional, and spatial information, amino acid conservation, physicochemical variation, residue mobility, and thermodynamic stability) indicates that this missense variant is not expected to disrupt COL6A3 protein function with a negative predictive value of 80%. In summary, the available evidence is currently insufficient to determine the role of this variant in disease. Therefore, it has been classified as a Variant of Uncertain Significance.

Revvity Omics, Revvity
Classification: Uncertain significance. Last evaluated: 2019-09-19. Review status: criteria provided, single submitter. Criteria: ACMG Guidelines, 2015. Collection method: clinical testing. Allele origin: germline.

NM_004369.4(COL6A3):c.2644G>A (p.Asp882Asn)

Gene: COL6A3 (collagen type VI alpha 3 chain; minus strand). Cytogenetic location: 2q37.3.
Variant type: single nucleotide variant.
Coding change: c.2644G>A on transcript NM_004369.4 (MANE Select); coding-DNA position 2644, G replaced by A.
Protein change: p.Asp882Asn; replaces aspartic acid 882 with asparagine.
Molecular consequence: missense variant.
Genome position (GRCh38, 1-based): chr2:237,377,198, C>T on the plus strand (G>A on the coding strand, the complement: COL6A3 is on the minus strand). VCF-style: chr2-237377198-C-T. GRCh37 (hg19) VCF-style: chr2-238285841-C-T.
Other names: c.1423G>A, p.Asp475Asn (NM_057164.5); c.2026G>A, p.Asp676Asn (NM_057165.5, NM_057167.4); c.823G>A, p.Asp275Asn (NM_057166.5); short protein forms D676N, D882N, D475N, D275N.
Identifiers: ClinVar variation 2055464 (VCV002055464.6), dbSNP rs1389629269, ClinGen allele CA351211067.
Genomic context (GRCh38, chr2:237,377,198, plus strand): 5'-GATTCAGGATCTCAGGCTTACTCTGGTGCTCATCAAAACGGGACTCCACCTTGACATCAT[C>T]GCTGTACTGAGCCACCGCAATTCGGGTCCCCTCTGGCTTCACATTGAGCTCATCGATAAT-3'
Protein context (NP_004360.2, residues 872-892): GTRIAVAQYS[Asp882Asn]DVKVESRFDE